The following is an entry in ClinVar:

ClinVar aggregate classification (germline): Pathogenic. Review status: criteria provided, multiple submitters, no conflicts (2 of 4 stars). 8 submissions from 7 submitters: Pathogenic (6). 2 of the submissions do not count toward it. Last evaluated 2026-01-27.

Conditions:
CRB1-related disorder. Also called: CRB1-related condition; CRB1-related disorders.
Retinitis pigmentosa 12 (RP12). Also called: RP WITH OR WITHOUT PPRPE; RP WITH OR WITHOUT PRESERVED PARAARTERIOLE RETINAL PIGMENT EPITHELIUM; RETINITIS PIGMENTOSA WITH OR WITHOUT PARAARTERIOLAR PRESERVATION OF RETINAL PIGMENT EPITHELIUM. Identifiers: Orphanet 791, MedGen C1838647, MONDO:0010818, OMIM 600105.
Leber congenital amaurosis 8 (LCA8). Identifiers: Orphanet 65, MedGen C3151202, MONDO:0013453, OMIM 613835.
Retinal dystrophy. Also called: Inherited retinal dystrophy. Identifiers: Orphanet 71862, MedGen C0854723, MeSH D058499, MONDO:0019118, HP:0000556.

Submissions (8):

Labcorp Genetics (formerly Invitae), Labcorp
Classification: Pathogenic for Leber congenital amaurosis 8; Retinitis pigmentosa 12. Last evaluated: 2026-01-27. Review status: criteria provided, single submitter. Criteria: Invitae Variant Classification Sherloc (09022015). Collection method: clinical testing. Allele origin: germline.
Comment: This sequence change creates a premature translational stop signal (p.Cys1240Profs*24) in the CRB1 gene. It is expected to result in an absent or disrupted protein product. Loss-of-function variants in CRB1 are known to be pathogenic (PMID: 10508521, 22065545, 23379534, 25412400, 26957898, 28041643, 29391521). This variant is present in population databases (no rsID available, gnomAD 0.0009%). This premature translational stop signal has been observed in individual(s) with Leber congenital amaurosis (PMID: 20683928). ClinVar contains an entry for this variant (Variation ID: 872034). For these reasons, this variant has been classified as Pathogenic.

Dasa
Classification: Pathogenic. Last evaluated: 2025-09-16. Review status: criteria provided, single submitter. Criteria: DASA Assertion Criteria. Collection method: clinical testing. Allele origin: germline.
Comment: NM_201253.3(CRB1):c.3713_3716dup (p.Cys1240Profs*24) is a frameshift variant in CRB1 predicted to alter the reading frame and introduce a premature termination codon and is predicted to result in an absent or altered protein product. Loss of function is an established disease mechanism for CRB1-associated disorders. Segregation data support an association with disease in the reported family/families (PMID: 20683928; PMID: 28224992; PMID: 22261762). This variant has been recurrently observed in individuals with CRB1-related disorders (PMID: 20683928; PMID: 28224992; PMID: 22261762). Also, this variant is rare in population databases. Based on the currently available evidence, this variant is classified as pathogenic.

Baylor Genetics
Classification: Pathogenic for Leber congenital amaurosis 8. Last evaluated: 2023-04-11. Review status: criteria provided, single submitter. Criteria: ACMG Guidelines, 2015. Collection method: clinical testing. Allele origin: unknown.

Genome-Nilou Lab
Classification: Pathogenic for Leber congenital amaurosis 8. Last evaluated: 2023-04-11. Review status: criteria provided, single submitter. Criteria: ACMG Guidelines, 2015. Collection method: clinical testing. Allele origin: germline. Affected: no.

Genome-Nilou Lab
Classification: Pathogenic for Retinitis pigmentosa 12. Last evaluated: 2023-04-11. Review status: criteria provided, single submitter. Criteria: ACMG Guidelines, 2015. Collection method: clinical testing. Allele origin: germline. Affected: no.

CeGaT Center for Human Genetics Tuebingen
Classification: Pathogenic. Last evaluated: 2016-11-01. Review status: criteria provided, single submitter. Criteria: CeGaT Center For Human Genetics Tuebingen Variant Classification Criteria Version 2. Collection method: clinical testing. Allele origin: germline. Affected: yes. Observed: 1 variant allele.

PreventionGenetics, part of Exact Sciences
Classification: Pathogenic for CRB1-related condition. Last evaluated: 2024-06-18. Review status: no assertion criteria provided. Collection method: clinical testing. Allele origin: germline. Not counted in ClinVar's aggregate classification.
Comment: The CRB1 c.3713_3716dupGCCT variant is predicted to result in a frameshift and premature protein termination (p.Cys1240Profs*24). This variant, along with a second truncating variant in CRB1, has been reported in siblings with Leber congenital amaurosis (Coppieters et al. 2010. PubMed ID: 20683928). It has also been reported in a family with macular dystrophy; however, it was not considered the primary cause of disease in this family (Haer-Wigman et al. 2017. PubMed ID: 28224992). This variant is reported in 0.00089% of alleles in individuals of European (non-Finnish) descent in gnomAD. Frameshift variants in CRB1 are expected to be pathogenic. This variant is interpreted as pathogenic.

Institute of Human Genetics, Univ. Regensburg, Univ. Regensburg
Classification: Pathogenic for Retinal dystrophy. Last evaluated: 2021-01-01. Review status: no assertion criteria provided. Criteria: ACMG Guidelines, 2015. Collection method: clinical testing. Allele origin: germline. Affected: yes. Not counted in ClinVar's aggregate classification.

Literature cited by the submitters: PubMed 10508521 (cited by Labcorp Genetics (formerly Invitae), Labcorp); PubMed 22065545 (cited by Labcorp Genetics (formerly Invitae), Labcorp); PubMed 23379534 (cited by Labcorp Genetics (formerly Invitae), Labcorp); PubMed 25412400 (cited by Labcorp Genetics (formerly Invitae), Labcorp); PubMed 26957898 (cited by Labcorp Genetics (formerly Invitae), Labcorp); PubMed 28041643 (cited by Labcorp Genetics (formerly Invitae), Labcorp); PubMed 29391521 (cited by Labcorp Genetics (formerly Invitae), Labcorp); PubMed 20683928 (cited by Labcorp Genetics (formerly Invitae), Labcorp and Dasa); PubMed 28224992 (cited by Dasa); PubMed 22261762 (cited by Dasa).

NM_201253.3(CRB1):c.3713_3716dup (p.Cys1240fs)

Gene: CRB1 (crumbs cell polarity complex component 1; plus strand). Cytogenetic location: 1q31.3.
Variant type: Duplication.
Coding change: c.3713_3716dup on transcript NM_201253.3 (MANE Select); coding-DNA positions 3713 to 3716, 4 bases duplicated (GCCT; older notation c.3713_3716dupGCCT).
Protein change: p.Cys1240fs; shifts the reading frame from cysteine 1240.
Molecular consequence: frameshift variant. On other transcripts: non-coding transcript variant (2), intron variant (1).
Genome position (GRCh38, 1-based): chr1:197,435,576-197,435,579, GCCT duplicated; duplicating any 4 consecutive bases within chr1:197,435,575-197,435,579 gives the same sequence; the c. name uses the placement nearest the transcript's 3' end. VCF-style (leftmost placement, unchanged base first): chr1-197435574-T-TTGCC. GRCh37 (hg19) VCF-style: chr1-197404704-T-TTGCC.
Other names: c.3713_3716dupGCCT (NM_201253.2); c.3377_3380dup, p.Cys1128fs (NM_001193640.2); c.3641_3644dup, p.Cys1216fs (NM_001257965.2); c.2129-24_2129-21dup (NM_001257966.2); short protein forms C1216fs, C1240fs, C1128fs.
Identifiers: ClinVar variation 872034 (VCV000872034.49), dbSNP rs1366609497, ClinGen allele CA528535400.